The following is an entry in ClinVar:

ClinVar aggregate classification (germline): Pathogenic (1 of 4 stars; one submission).

Conditions:
Abetalipoproteinaemia (ABL). Also called: MTP DEFICIENCY; Abetalipoproteinemia; Abetalipoproteinemia neuropathy; Apolipoprotein B deficiency; Congenital betalipoprotein deficiency syndrome. Identifiers: Orphanet 14, MedGen C0000744, MONDO:0008692, OMIM 200100, HP:0008181.

Submission:

Myriad Genetics, Inc.
Classification: Pathogenic for Abetalipoproteinaemia. Last evaluated: 2024-05-14. Review status: criteria provided, single submitter. Criteria: Myriad Autosomal Dominant, Autosomal Recessive and X-Linked Classification Criteria (2023). Collection method: clinical testing. Allele origin: unknown.
Comment: NM_000253.2(MTTP):c.1619dupG(T541Hfs*10) is expected to be pathogenic in the context of abetalipoproteinemia. This variant is predicted to lead to an abnormal or absent protein product due to the creation of a premature termination codon in MTTP, a gene where loss-of-function variants are known to be pathogenic. Please note: this variant was assessed in the context of healthy population screening.

NM_001386140.1(MTTP):c.1619dup (p.Thr541fs)

Gene: MTTP (microsomal triglyceride transfer protein; plus strand). Cytogenetic location: 4q23.
Variant type: Duplication.
Coding change: c.1619dup on transcript NM_001386140.1 (MANE Select); coding-DNA position 1619, one base duplicated (G; older notation c.1619dupG).
Protein change: p.Thr541fs; shifts the reading frame from threonine 541.
Molecular consequence: frameshift variant.
Genome position (GRCh38, 1-based): chr4:99,608,827, G duplicated. VCF-style (leftmost placement, unchanged base first): chr4-99608826-C-CG. GRCh37 (hg19) VCF-style: chr4-100529983-C-CG.
Other names: c.1619dup, p.Thr541fs (NM_000253.4); c.1370dup, p.Thr458fs (NM_001300785.2); short protein forms T458fs, T541fs.
Identifiers: ClinVar variation 5013755 (VCV005013755.1).